The following is an entry in ClinVar:

ClinVar aggregate classification (germline): Uncertain significance (1 of 4 stars; one submission).

Submission:

Labcorp Genetics (formerly Invitae), Labcorp
Classification: Uncertain significance. Last evaluated: 2022-02-24. Review status: criteria provided, single submitter. Criteria: Invitae Variant Classification Sherloc (09022015). Collection method: clinical testing. Allele origin: germline.
Comment: In summary, the available evidence is currently insufficient to determine the role of this variant in disease. Therefore, it has been classified as a Variant of Uncertain Significance. Variants that disrupt the consensus splice site are a relatively common cause of aberrant splicing (PMID: 17576681, 9536098). Algorithms developed to predict the effect of sequence changes on RNA splicing suggest that this variant may disrupt the consensus splice site. This variant has been observed in individual(s) with Albright’s hereditary osteodystrophy (Invitae). This variant is not present in population databases (gnomAD no frequency). This sequence change falls in intron 10 of the GNAS gene. It does not directly change the encoded amino acid sequence of the GNAS protein. It affects a nucleotide within the consensus splice site.

Literature cited by the submitters: PubMed 17576681; PubMed 9536098.

NM_000516.7(GNAS):c.840-3T>G

Gene: GNAS (GNAS complex locus; plus strand). Cytogenetic location: 20q13.32.
Variant type: single nucleotide variant.
Coding change: c.840-3T>G on transcript NM_000516.7 (MANE Select); 3 bases into the intron before coding-DNA position 840, T replaced by G.
Molecular consequence: intron variant.
Genome position (GRCh38, 1-based): chr20:58,909,948, T>G. VCF-style: chr20-58909948-T-G. GRCh37 (hg19) VCF-style: chr20-57485003-T-G.
Other names: c.*746-3T>G (NM_016592.5); c.663-3T>G (NM_001309861.2, NM_001309840.2); c.*701-3T>G (NM_001077490.3); c.2769-3T>G (NM_080425.4); c.843-3T>G (NM_001077488.5); c.798-3T>G (NM_080426.4); c.795-3T>G (NM_001077489.4).
Identifiers: ClinVar variation 2102974 (VCV002102974.4), dbSNP rs2146289294, ClinGen allele CA2580098330.